The following is an entry in ClinVar:

NM_001347721.2(DYRK1A):c.2045A>G (p.Asp682Gly)

Gene: DYRK1A (dual specificity tyrosine phosphorylation regulated kinase 1A; plus strand). Cytogenetic location: 21q22.13.
Variant type: single nucleotide variant.
Coding change: c.2045A>G on transcript NM_001347721.2 (MANE Select); coding-DNA position 2045, A replaced by G.
Protein change: p.Asp682Gly; replaces aspartic acid 682 with glycine.
Molecular consequence: missense variant. On other transcripts: 3 prime UTR variant (2).
Genome position (GRCh38, 1-based): chr21:37,512,311, A>G. VCF-style: chr21-37512311-A-G. GRCh37 (hg19) VCF-style: chr21-38884614-A-G.
Other names: c.2045A>G, p.Asp682Gly (NM_001347722.2, NM_130436.2); c.1958A>G, p.Asp653Gly (NM_001347723.2); c.2072A>G, p.Asp691Gly (NM_001396.5); c.*448A>G (NM_101395.2); c.*357A>G (NM_130438.2); short protein forms D653G, D682G, D691G.
Identifiers: ClinVar variation 4747403 (VCV004747403.1).

ClinVar aggregate classification (germline): Uncertain significance (1 of 4 stars; one submission).

Conditions:
DYRK1A-related intellectual disability syndrome (MRD7). Also called: DYRK1A Syndrome; Intellectual developmental disorder, autosomal dominant 7. Identifiers: Orphanet 464306, MedGen C5568143, MONDO:0013578, OMIM 614104.

Submission:

Labcorp Genetics (formerly Invitae), Labcorp
Classification: Uncertain significance for DYRK1A-related intellectual disability syndrome. Last evaluated: 2025-05-11. Review status: criteria provided, single submitter. Criteria: Invitae Variant Classification Sherloc (09022015). Collection method: clinical testing. Allele origin: germline.
Comment: This sequence change replaces aspartic acid, which is acidic and polar, with glycine, which is neutral and non-polar, at codon 691 of the DYRK1A protein (p.Asp691Gly). This variant is present in population databases (rs773551586, gnomAD 0.006%). This variant has not been reported in the literature in individuals affected with DYRK1A-related conditions. Invitae Evidence Modeling of protein sequence and biophysical properties (such as structural, functional, and spatial information, amino acid conservation, physicochemical variation, residue mobility, and thermodynamic stability) indicates that this missense variant is not expected to disrupt DYRK1A protein function with a negative predictive value of 95%. In summary, the available evidence is currently insufficient to determine the role of this variant in disease. Therefore, it has been classified as a Variant of Uncertain Significance.